The following is an entry in ClinVar:

ClinVar aggregate classification (germline): Uncertain significance. Review status: criteria provided, multiple submitters, no conflicts (2 of 4 stars). 6 submissions from 5 submitters: Uncertain significance (6). Last evaluated 2024-02-28.

Conditions:
Autosomal dominant familial hematuria-retinal arteriolar tortuosity-contractures syndrome. Also called: Hereditary Angiopathy with Nephropathy, Aneurysms, and Muscle Cramps (HANAC) Syndrome; Angiopathy, hereditary, with nephropathy, aneurysms, and muscle cramps. Identifiers: Orphanet 73229, MedGen C2673195, MONDO:0012726, OMIM 611773.
Hemorrhage, intracerebral, susceptibility to (ICH). Also called: Stroke, hemorrhagic, susceptibility to. Identifiers: MedGen C3281105, MONDO:0100533, OMIM 614519.
Microangiopathy and leukoencephalopathy, pontine, autosomal dominant. Also called: Pontine autosomal dominant microangiopathy with leukoencephalopathy; DEMENTIA, HEREDITARY MULTI-INFARCT, SWEDISH TYPE. Identifiers: Orphanet 477749, MedGen C5231411, MONDO:0032814, OMIM 618564.
Retinal arterial tortuosity. Also called: Retinal arteries, tortuosity of; RETINAL HEMORRHAGE WITH VASCULAR TORTUOSITY. Identifiers: Orphanet 75326, MedGen C0423401, MONDO:0008373, OMIM 180000, HP:0000631.
Brain small vessel disease 1 with or without ocular anomalies (BSVD1). Also called: GOULD SYNDROME 1; PORENCEPHALY, TYPE 1, AUTOSOMAL DOMINANT; BRAIN SMALL VESSEL DISEASE WITH HEMORRHAGE; Brain small vessel disease with or without ocular anomalies. Identifiers: Orphanet 2940, Orphanet 36383, Orphanet 99810, MedGen C4755307, MONDO:0008289, OMIM 175780.

Allele frequency attached by ClinVar (database versions not stated): TOPMed 0.00001.

Submissions (6):

Fulgent Genetics
Classification: Uncertain significance for Brain small vessel disease 1 with or without ocular anomalies; Retinal arterial tortuosity; Autosomal dominant familial hematuria-retinal arteriolar tortuosity-contractures syndrome; Hemorrhage, intracerebral, susceptibility to; Microangiopathy and leukoencephalopathy, pontine, autosomal dominant. Last evaluated: 2024-02-28. Review status: criteria provided, single submitter. Criteria: ACMG Guidelines, 2015. Collection method: clinical testing. Allele origin: germline.

Labcorp Genetics (formerly Invitae), Labcorp
Classification: Uncertain significance. Last evaluated: 2023-03-09. Review status: criteria provided, single submitter. Criteria: Invitae Variant Classification Sherloc (09022015). Collection method: clinical testing. Allele origin: germline.
Comment: This sequence change replaces methionine, which is neutral and non-polar, with valine, which is neutral and non-polar, at codon 1531 of the COL4A1 protein (p.Met1531Val). This variant is not present in population databases (gnomAD no frequency). This variant has not been reported in the literature in individuals affected with COL4A1-related conditions. ClinVar contains an entry for this variant (Variation ID: 883090). Experimental studies and prediction algorithms are not available or were not evaluated, and the functional significance of this variant is currently unknown. In summary, the available evidence is currently insufficient to determine the role of this variant in disease. Therefore, it has been classified as a Variant of Uncertain Significance.

Revvity Omics, Revvity
Classification: Uncertain significance. Last evaluated: 2022-05-20. Review status: criteria provided, single submitter. Criteria: ACMG Guidelines, 2015. Collection method: clinical testing. Allele origin: germline.

Baylor Genetics
Classification: Uncertain significance for Brain small vessel disease 1 with or without ocular anomalies. Last evaluated: 2020-08-20. Review status: criteria provided, single submitter. Criteria: ACMG Guidelines, 2015. Collection method: clinical testing. Allele origin: unknown. Affected: yes.
Comment: This variant was determined to be of uncertain significance according to ACMG Guidelines, 2015 [PMID:25741868].

Illumina Laboratory Services, Illumina
Classification: Uncertain significance for Autosomal dominant familial hematuria-retinal arteriolar tortuosity-contractures syndrome. Last evaluated: 2018-01-13. Review status: criteria provided, single submitter. Criteria: ICSL Variant Classification Criteria 13 December 2019. Collection method: clinical testing. Allele origin: germline.

Illumina Laboratory Services, Illumina
Classification: Uncertain significance for Brain small vessel disease 1 with or without ocular anomalies. Last evaluated: 2018-01-13. Review status: criteria provided, single submitter. Criteria: ICSL Variant Classification Criteria 13 December 2019. Collection method: clinical testing. Allele origin: germline.

NM_001845.6(COL4A1):c.4591A>G (p.Met1531Val)

Gene: COL4A1 (collagen type IV alpha 1 chain; minus strand). Cytogenetic location: 13q34.
Variant type: single nucleotide variant.
Coding change: c.4591A>G on transcript NM_001845.6 (MANE Select); coding-DNA position 4591, A replaced by G.
Protein change: p.Met1531Val; replaces methionine 1531 with valine.
Molecular consequence: missense variant.
Genome position (GRCh38, 1-based): chr13:110,161,241, T>C on the plus strand (A>G on the coding strand, the complement: COL4A1 is on the minus strand). VCF-style: chr13-110161241-T-C. GRCh37 (hg19) VCF-style: chr13-110813588-T-C.
Other names: short protein forms M1531V.
Identifiers: ClinVar variation 883090 (VCV000883090.15), dbSNP rs1343193102, ClinGen allele CA388657176.